The following is an entry in ClinVar:

NM_004370.6(COL12A1):c.5393C>A (p.Thr1798Lys)

Gene: COL12A1 (collagen type XII alpha 1 chain; minus strand). Cytogenetic location: 6q13.
Variant type: single nucleotide variant.
Coding change: c.5393C>A on transcript NM_004370.6 (MANE Select); coding-DNA position 5393, C replaced by A.
Protein change: p.Thr1798Lys; replaces threonine 1798 with lysine.
Molecular consequence: missense variant.
Genome position (GRCh38, 1-based): chr6:75,137,438, G>T on the plus strand (C>A on the coding strand, the complement: COL12A1 is on the minus strand). VCF-style: chr6-75137438-G-T. GRCh37 (hg19) VCF-style: chr6-75847154-G-T.
Other names: c.1901C>A, p.Thr634Lys (NM_080645.3); short protein forms T634K, T1798K.
Identifiers: ClinVar variation 849855 (VCV000849855.11), dbSNP rs370767331, ClinGen allele CA364737220.

ClinVar aggregate classification (germline): Uncertain significance. Review status: criteria provided, multiple submitters, no conflicts (2 of 4 stars). 2 submissions from 2 submitters: Uncertain significance (2). Last evaluated 2025-06-29.

Conditions:
Ullrich congenital muscular dystrophy 2 (UCMD2). Identifiers: Orphanet 75840, MedGen C4225314, MONDO:0014654, OMIM 616470.
Bethlem myopathy 2 (BTHLM2). Identifiers: Orphanet 536516, Orphanet 610, MedGen C4225313, MONDO:0034022, OMIM 616471.

gnomAD v4.1: 7 of 1,582,974 alleles (0.00044%); highest among the groups gnomAD compares: African/African-American, 0.0014%; no homozygotes.

Submissions (2):

Labcorp Genetics (formerly Invitae), Labcorp
Classification: Uncertain significance for Bethlem myopathy 2; Ullrich congenital muscular dystrophy 2. Last evaluated: 2025-06-29. Review status: criteria provided, single submitter. Criteria: Invitae Variant Classification Sherloc (09022015). Collection method: clinical testing. Allele origin: germline.
Comment: This sequence change replaces threonine, which is neutral and polar, with lysine, which is basic and polar, at codon 1798 of the COL12A1 protein (p.Thr1798Lys). The frequency data for this variant in the population databases is considered unreliable, as metrics indicate poor data quality at this position in the gnomAD database. This variant has not been reported in the literature in individuals affected with COL12A1-related conditions. ClinVar contains an entry for this variant (Variation ID: 849855). An algorithm developed to predict the effect of missense changes on protein structure and function (PolyPhen-2) suggests that this variant is likely to be tolerated. In summary, the available evidence is currently insufficient to determine the role of this variant in disease. Therefore, it has been classified as a Variant of Uncertain Significance.

Women's Health and Genetics/Laboratory Corporation of America, LabCorp
Classification: Uncertain significance. Last evaluated: 2025-06-05. Review status: criteria provided, single submitter. Criteria: LabCorp Variant Classification Summary - May 2015. Collection method: clinical testing. Allele origin: germline.
Comment: Variant summary: COL12A1 c.5393C>A (p.Thr1798Lys) results in a non-conservative amino acid change in the encoded protein sequence. Algorithms developed to predict the effect of missense changes on protein structure and function are either unavailable or do not agree on the potential impact of this missense change. Consensus agreement among computation tools predict no significant impact on normal splicing. However, these predictions have yet to be confirmed by functional studies. The variant allele was found at a frequency of 4.7e-06 in 211280 control chromosomes. The available data on variant occurrences in the general population are insufficient to allow any conclusion about variant significance. To our knowledge, no occurrence of c.5393C>A in individuals affected with Ullrich congenital muscular dystrophy 2 and no experimental evidence demonstrating its impact on protein function have been reported. ClinVar contains an entry for this variant (Variation ID: 849855). Based on the evidence outlined above, the variant was classified as uncertain significance.